The following is an entry in ClinVar:

ClinVar aggregate classification (germline): Uncertain significance (1 of 4 stars; one submission).

Conditions:
Epidermolysis bullosa simplex with nail dystrophy (EBS5D). Identifiers: MedGen C4225309, MONDO:0014661, OMIM 616487.
Autosomal recessive limb-girdle muscular dystrophy type 2Q (LGMDR17). Also called: MUSCULAR DYSTROPHY, LIMB-GIRDLE, AUTOSOMAL RECESSIVE 17. Identifiers: Orphanet 254361, MedGen C3150989, MONDO:0013390, OMIM 613723.
Epidermolysis bullosa simplex 5B, with muscular dystrophy (EBS5B). Also called: Epidermolysis bullosa simplex with muscular dystrophy; EPIDERMOLYSIS BULLOSA SIMPLEX AND LIMB-GIRDLE MUSCULAR DYSTROPHY. Identifiers: Orphanet 257, MedGen C2931072, MONDO:0009181, OMIM 226670.
Epidermolysis bullosa simplex 5C, with pyloric atresia (EBS5C). Also called: PLEC-Related Epidermolysis Bullosa with Pyloric Atresia; Epidermolysis bullosa simplex with pyloric atresia; PLEC1-Related Epidermolysis Bullosa with Pyloric Atresia. Identifiers: Orphanet 158684, MedGen C2677349, MONDO:0012807, OMIM 612138.
Epidermolysis bullosa simplex, Ogna type (EBS5A). Also called: Pidermolysis bullosa simplex 5A, Ogna type; EPIDERMOLYSIS BULLOSA SIMPLEX 5A, OGNA TYPE. Identifiers: Orphanet 79401, MedGen C0432317, MONDO:0007555, OMIM 131950.

Submission:

Labcorp Genetics (formerly Invitae), Labcorp
Classification: Uncertain significance for Autosomal recessive limb-girdle muscular dystrophy type 2Q; Epidermolysis bullosa simplex, Ogna type; Epidermolysis bullosa simplex with nail dystrophy; Epidermolysis bullosa simplex 5C, with pyloric atresia; Epidermolysis bullosa simplex 5B, with muscular dystrophy. Last evaluated: 2024-03-25. Review status: criteria provided, single submitter. Criteria: Invitae Variant Classification Sherloc (09022015). Collection method: clinical testing. Allele origin: germline.
Comment: This sequence change replaces methionine, which is neutral and non-polar, with isoleucine, which is neutral and non-polar, at codon 1791 of the PLEC protein (p.Met1791Ile). This variant is not present in population databases (gnomAD no frequency). This variant has not been reported in the literature in individuals affected with PLEC-related conditions. Experimental studies and prediction algorithms are not available or were not evaluated, and the functional significance of this variant is currently unknown. In summary, the available evidence is currently insufficient to determine the role of this variant in disease. Therefore, it has been classified as a Variant of Uncertain Significance.

NM_201384.3(PLEC):c.5292G>A (p.Met1764Ile)

Gene: PLEC (plectin; minus strand). Cytogenetic location: 8q24.3.
Variant type: single nucleotide variant.
Coding change: c.5292G>A on transcript NM_201384.3 (MANE Select); coding-DNA position 5292, G replaced by A.
Protein change: p.Met1764Ile; replaces methionine 1764 with isoleucine.
Molecular consequence: missense variant. On other transcripts: intron variant (1).
Genome position (GRCh38, 1-based): chr8:143,924,637, C>T on the plus strand (G>A on the coding strand, the complement: PLEC is on the minus strand). VCF-style: chr8-143924637-C-T. GRCh37 (hg19) VCF-style: chr8-144998805-C-T.
Other names: c.5373G>A, p.Met1791Ile (NM_000445.5); c.5250G>A, p.Met1750Ile (NM_201378.4); c.5226G>A, p.Met1742Ile (NM_201379.3); c.5703G>A, p.Met1901Ile (NM_201380.4); c.5196G>A, p.Met1732Ile (NM_201381.3); c.5292G>A, p.Met1764Ile (NM_201382.4); c.5304G>A, p.Met1768Ile (NM_201383.3); c.4125+2147G>A (NM_001410941.1); short protein forms M1732I, M1742I, M1750I, M1764I, M1768I, M1791I, M1901I.
Identifiers: ClinVar variation 3749707 (VCV003749707.2).